The following is an entry in ClinVar:

ClinVar aggregate classification (germline): Uncertain significance (1 of 4 stars; one submission).

Allele frequency attached by ClinVar (database versions not stated): TOPMed 0.00001.

Submission:

Labcorp Genetics (formerly Invitae), Labcorp
Classification: Uncertain significance. Last evaluated: 2021-04-09. Review status: criteria provided, single submitter. Criteria: Invitae Variant Classification Sherloc (09022015). Collection method: clinical testing. Allele origin: germline.
Comment: In summary, the available evidence is currently insufficient to determine the role of this variant in disease. Therefore, it has been classified as a Variant of Uncertain Significance. Algorithms developed to predict the effect of missense changes on protein structure and function are either unavailable or do not agree on the potential impact of this missense change (SIFT: "Deleterious"; PolyPhen-2: "Probably Damaging"; Align-GVGD: "Class C15"). This variant has not been reported in the literature in individuals with CHRM2-related conditions. This variant is not present in population databases (ExAC no frequency). This sequence change replaces tyrosine with aspartic acid at codon 83 of the CHRM2 protein (p.Tyr83Asp). The tyrosine residue is highly conserved and there is a large physicochemical difference between tyrosine and aspartic acid.

NM_001006630.2(CHRM2):c.247T>G (p.Tyr83Asp)

Genes: CHRM2 (cholinergic receptor muscarinic 2; plus strand), LOC349160 (uncharacterized LOC349160; minus strand). Cytogenetic location: 7q33.
Variant type: single nucleotide variant.
Coding change: c.247T>G on transcript NM_001006630.2 (MANE Select); coding-DNA position 247, T replaced by G.
Protein change: p.Tyr83Asp; replaces tyrosine 83 with aspartic acid.
Molecular consequence: missense variant.
Genome position (GRCh38, 1-based): chr7:137,015,112, T>G. VCF-style: chr7-137015112-T-G. GRCh37 (hg19) VCF-style: chr7-136699859-T-G.
Other names: c.247T>G, p.Tyr83Asp (NM_000739.3, NM_001006626.3, NM_001006627.3 and 6 more transcripts); short protein forms Y83D.
Identifiers: ClinVar variation 1436115 (VCV001436115.8), dbSNP rs1192304125, ClinGen allele CA369486064.
Genomic context (GRCh38, chr7:137,015,112, plus strand): 5'-TTCAGCTTGGCCTGTGCTGACCTTATCATAGGTGTTTTCTCCATGAACTTGTACACCCTC[T>G]ACACTGTGATTGGTTACTGGCCTTTGGGACCTGTGGTGTGTGACCTTTGGCTAGCCCTGG-3'
Protein context (NP_001006631.1, residues 73-93): GVFSMNLYTL[Tyr83Asp]TVIGYWPLGP